The following is an entry in ClinVar:

ClinVar aggregate classification (germline): Uncertain significance (1 of 4 stars; one submission).

Conditions:
Hereditary cancer-predisposing syndrome. Also called: Neoplastic Syndromes, Hereditary; Tumor predisposition; Hereditary neoplastic syndrome; Hereditary Cancer Syndrome. Identifiers: Orphanet 140162, MedGen C0027672, MeSH D009386, MONDO:0015356.

gnomAD v4.1: 1 of 1,613,988 alleles (0.000062%); highest among the groups gnomAD compares: Non-Finnish European, 0.000085%; no homozygotes.

Submission:

Ambry Genetics
Classification: Uncertain significance for Hereditary cancer-predisposing syndrome. Last evaluated: 2024-05-22. Review status: criteria provided, single submitter. Criteria: Ambry Variant Classification Scheme 2023. Collection method: clinical testing. Allele origin: germline.
Comment: The p.L712H variant (also known as c.2135T>A), located in coding exon 14 of the PTCH1 gene, results from a T to A substitution at nucleotide position 2135. The leucine at codon 712 is replaced by histidine, an amino acid with similar properties. This amino acid position is conserved. In addition, this alteration is predicted to be deleterious by in silico analysis. Based on the available evidence, the clinical significance of this variant remains unclear.

NM_000264.5(PTCH1):c.2135T>A (p.Leu712His)

Genes: PTCH1 (patched 1; minus strand), LOC100507346 (uncharacterized LOC100507346; plus strand). Cytogenetic location: 9q22.32.
Variant type: single nucleotide variant.
Coding change: c.2135T>A on transcript NM_000264.5 (MANE Select); coding-DNA position 2135, T replaced by A.
Protein change: p.Leu712His; replaces leucine 712 with histidine.
Molecular consequence: missense variant. On other transcripts: non-coding transcript variant (2).
Genome position (GRCh38, 1-based): chr9:95,468,866, A>T on the plus strand (T>A on the coding strand, the complement: PTCH1 is on the minus strand). VCF-style: chr9-95468866-A-T. GRCh37 (hg19) VCF-style: chr9-98231148-A-T.
Other names: c.1937T>A, p.Leu646His (NM_001083602.3); c.1682T>A, p.Leu561His (NM_001083605.3, NM_001083604.3, NM_001083606.3 and 1 more transcripts); c.2132T>A, p.Leu711His (NM_001083603.3); c.1979T>A, p.Leu660His (NM_001354918.2); short protein forms L561H, L660H, L646H, L711H, L712H.
Identifiers: ClinVar variation 3311185 (VCV003311185.1).
Genomic context (GRCh38, chr9:95,468,866, plus strand): 5'-AGTGTCCACTTCGTACAGGGGGGCTCGAGGCAGTGGAGGCTGGAGTCGGAGAACTGGGAG[A>T]GCAGGTCCCTTGTGGAGCTGGTGCTCTCTGGGCTCTGGCAGCTGAGGGTGTCCTGTGTCA-3'
Protein context (NP_000255.2, residues 702-722): PESTSSTRDL[Leu712His]SQFSDSSLHC